The following is an entry in ClinVar:

NM_000038.6(APC):c.1595A>C (p.Gln532Pro)

Gene: APC (APC regulator of Wnt signaling pathway; plus strand). Cytogenetic location: 5q22.2.
Variant type: single nucleotide variant.
Coding change: c.1595A>C on transcript NM_000038.6 (MANE Select); coding-DNA position 1595, A replaced by C.
Protein change: p.Gln532Pro; replaces glutamine 532 with proline.
Molecular consequence: missense variant.
Genome position (GRCh38, 1-based): chr5:112,827,975, A>C. VCF-style: chr5-112827975-A-C. GRCh37 (hg19) VCF-style: chr5-112163672-A-C.
Other names: c.1595A>C, p.Gln532Pro (NM_001127510.3, NM_001354895.2, NM_001407450.1); c.1541A>C, p.Gln514Pro (NM_001127511.3); c.1649A>C, p.Gln550Pro (NM_001354896.2, NM_001407447.1, NM_001407448.1 and 1 more transcripts); c.1625A>C, p.Gln542Pro (NM_001354897.2); c.1520A>C, p.Gln507Pro (NM_001354898.2); c.1511A>C, p.Gln504Pro (NM_001354899.2); c.1472A>C, p.Gln491Pro (NM_001354900.2); c.1418A>C, p.Gln473Pro (NM_001354901.2, NM_001407453.1); and 11 more; short protein forms Q249P, Q403P, Q491P, Q504P, Q522P, Q441P, Q473P, Q514P.
Identifiers: ClinVar variation 2747525 (VCV002747525.3), dbSNP rs2533220780, ClinGen allele CA16024787.

ClinVar aggregate classification (germline): Uncertain significance (1 of 4 stars; one submission).

Conditions:
Familial adenomatous polyposis 1 (FAP1). Also called: FAMILIAL ADENOMATOUS POLYPOSIS 1, ATTENUATED; POLYPOSIS, ADENOMATOUS INTESTINAL. Identifiers: MedGen C2713442, MONDO:0021056, OMIM 175100. Disease mechanism: loss of function.

Submission:

Labcorp Genetics (formerly Invitae), Labcorp
Classification: Uncertain significance for Familial adenomatous polyposis 1. Last evaluated: 2023-07-28. Review status: criteria provided, single submitter. Criteria: Invitae Variant Classification Sherloc (09022015). Collection method: clinical testing. Allele origin: germline.
Comment: This variant has not been reported in the literature in individuals affected with APC-related conditions. Advanced modeling of protein sequence and biophysical properties (such as structural, functional, and spatial information, amino acid conservation, physicochemical variation, residue mobility, and thermodynamic stability) performed at Invitae indicates that this missense variant is not expected to disrupt APC protein function. In summary, the available evidence is currently insufficient to determine the role of this variant in disease. Therefore, it has been classified as a Variant of Uncertain Significance. This variant is not present in population databases (gnomAD no frequency). This sequence change replaces glutamine, which is neutral and polar, with proline, which is neutral and non-polar, at codon 532 of the APC protein (p.Gln532Pro).